The following is an entry in ClinVar:

NM_003978.5(PSTPIP1):c.247+2T>G

Gene: PSTPIP1 (proline-serine-threonine phosphatase interacting protein 1; plus strand). Cytogenetic location: 15q24.3.
Variant type: single nucleotide variant.
Coding change: c.247+2T>G on transcript NM_003978.5 (MANE Select); the canonical splice donor site of the intron after coding-DNA position 247, T replaced by G.
Molecular consequence: splice donor variant.
Genome position (GRCh38, 1-based): chr15:77,025,320, T>G. VCF-style: chr15-77025320-T-G. GRCh37 (hg19) VCF-style: chr15-77317661-T-G.
Other names: c.442+2T>G (NM_001321137.1); c.220+2T>G (NM_001321136.2); c.247+2T>G (NM_001321135.2, NM_001411086.1).
Identifiers: ClinVar variation 1310580 (VCV001310580.2), dbSNP rs1385788673, ClinGen allele CA393518695.

ClinVar aggregate classification (germline): Uncertain significance (1 of 4 stars; one submission).

Submission:

GeneDx
Classification: Uncertain significance. Last evaluated: 2020-10-23. Review status: criteria provided, single submitter. Criteria: GeneDx Variant Classification Process June 2021. Collection method: clinical testing. Allele origin: germline. Affected: yes.
Comment: Canonical splice site variant in a gene for which loss-of-function is not a known mechanism of disease; Not observed in large population cohorts (Lek et al., 2016); Has not been previously published as pathogenic or benign to our knowledge